The following is an entry in ClinVar:

NM_001367479.1(DNAH14):c.4613T>G (p.Leu1538Trp)

Gene: DNAH14 (dynein axonemal heavy chain 14; plus strand). Cytogenetic location: 1q42.12.
Variant type: single nucleotide variant.
Coding change: c.4613T>G on transcript NM_001367479.1 (MANE Select); coding-DNA position 4613, T replaced by G.
Protein change: p.Leu1538Trp; replaces leucine 1538 with tryptophan.
Molecular consequence: missense variant.
Genome position (GRCh38, 1-based): chr1:225,144,501, T>G. VCF-style: chr1-225144501-T-G. GRCh37 (hg19) VCF-style: chr1-225332203-T-G.
Other names: NM_001373.1:c.4562T>G; short protein forms L1538W.
Identifiers: ClinVar variation 5037665 (VCV005037665.1).

ClinVar aggregate classification (germline): Uncertain significance (1 of 4 stars; one submission).

gnomAD v4.1: 4 of 1,551,474 alleles (0.00026%); highest among the groups gnomAD compares: Admixed American, 0.002%; no homozygotes.

Submission:

GeneDx
Classification: Uncertain significance. Last evaluated: 2026-04-26. Review status: criteria provided, single submitter. Criteria: GeneDx Variant Classification Process June 2021. Collection method: clinical testing. Allele origin: germline.
Comment: Not observed at significant frequency in large population cohorts (gnomAD); In silico analysis supports that this missense variant has a deleterious effect on protein structure/function; Has not been previously published as pathogenic or benign to our knowledge